The following is an entry in ClinVar:

NM_000102.4(CYP17A1):c.1084C>T (p.Arg362Cys)

Gene: CYP17A1 (cytochrome P450 family 17 subfamily A member 1; minus strand). Cytogenetic location: 10q24.32.
Variant type: single nucleotide variant.
Coding change: c.1084C>T on transcript NM_000102.4 (MANE Select); coding-DNA position 1084, C replaced by T.
Protein change: p.Arg362Cys; replaces arginine 362 with cysteine.
Molecular consequence: missense variant.
Genome position (GRCh38, 1-based): chr10:102,832,566, G>A on the plus strand (C>T on the coding strand, the complement: CYP17A1 is on the minus strand). VCF-style: chr10-102832566-G-A. GRCh37 (hg19) VCF-style: chr10-104592323-G-A.
Other names: short protein forms R362C.
Identifiers: ClinVar variation 1796 (VCV000001796.21), dbSNP rs104894142, ClinGen allele CA115192.

ClinVar aggregate classification (germline): Pathogenic. Review status: criteria provided, multiple submitters, no conflicts (2 of 4 stars). 7 submissions from 7 submitters: Pathogenic (6). 1 of the submissions does not count toward it. Last evaluated 2026-01-15.

Conditions:
CYP17A1-related disorder. Also called: CYP17A1-related condition.
Congenital adrenal hyperplasia. Identifiers: Orphanet 418, MedGen C0001627, MONDO:0018479, HP:0008258.
Deficiency of steroid 17-alpha-monooxygenase. Also called: Congenital adrenal hyperplasia due to 17-alpha-hydroxylase deficiency; Congenital adrenal hyperplasia type 5; 17-ALPHA-HYDROXYLASE DEFICIENCY; 17-alpha-hydroxylase/17,20-lyase deficiency; ADRENAL HYPERPLASIA V. Identifiers: Orphanet 90793, MedGen C0268285, MONDO:0008730, OMIM 202110.
17-alpha-hydroxylase/17,20-lyase deficiency, combined complete. Identifiers: MedGen CN042980, MONDO:0800379.

Allele frequency attached by ClinVar (database versions not stated): gnomAD exomes 0.00001 and below 0.00001; TOPMed 0.00001; gnomAD 0.00001.

Submissions (7):

Natera, Inc.
Classification: Pathogenic for Deficiency of steroid 17-alpha-monooxygenase. Last evaluated: 2026-01-15. Review status: criteria provided, single submitter. Criteria: Natera Variant Classification Schema (03/2026). Collection method: clinical testing. Allele origin: germline.
Comment: The c.1084C>T variant in CYP17A1 is a missense variant predicted to cause substitution of arginine to cysteine at amino acid 362. This variant is rare in the general population with a frequency below the threshold expected for the associated phenotype(s). This variant has been observed in one or more individuals affected with the associated recessive disease, as either homozygous or compound heterozygous with a second variant (PMID: 14715827). Additionally, this variant has been observed to segregate in affected family members (PMID: 14715827). Functional studies show that this variant may disrupt protein function (PMID: 14715827). Computational prediction algorithms indicate this variant is likely to affect gene or protein function. Given the available evidence, this variant is classified as Pathogenic.

Dasa
Classification: Pathogenic. Last evaluated: 2025-11-02. Review status: criteria provided, single submitter. Criteria: DASA Assertion Criteria. Collection method: clinical testing. Allele origin: germline.
Comment: NM_000102.4(CYP17A1):c.1084C>T (p.Arg362Cys) is a missense variant that results in the substitution of arginine with cysteine. This variant has been observed in affected individuals with related phenotype in a genotype context consistent with recessive disease (PMID: 14715827; PMID: 14671162; PMID: 17379008; PMID: 21340157; PMID: 29595516). Functional evidence supports a deleterious effect on the gene or gene product (PMID: 14715827; PMID: 14671162; PMID: 17379008; PMID: 21340157; PMID: 29595516). This variant has been recurrently observed in individuals with related phenotype (PMID: 14715827; PMID: 14671162; PMID: 17379008; PMID: 21340157; PMID: 29595516). Segregation evidence has been reported in affected families. Multiple computational predictions support a deleterious effect on the gene or gene product. The variant is present at low frequency in population datasets. Based on the available data, this variant is classified as pathogenic.

Labcorp Genetics (formerly Invitae), Labcorp
Classification: Pathogenic. Last evaluated: 2025-11-01. Review status: criteria provided, single submitter. Criteria: Invitae Variant Classification Sherloc (09022015). Collection method: clinical testing. Allele origin: germline.
Comment: This sequence change replaces arginine, which is basic and polar, with cysteine, which is neutral and slightly polar, at codon 362 of the CYP17A1 protein (p.Arg362Cys). This variant is present in population databases (rs104894142, gnomAD 0.006%). This missense change has been observed in individuals with adrenal hyperplasia (PMID: 14715827, 17379008, 21340157, 29595516). It has also been observed to segregate with disease in related individuals. ClinVar contains an entry for this variant (Variation ID: 1796). Invitae Evidence Modeling of protein sequence and biophysical properties (such as structural, functional, and spatial information, amino acid conservation, physicochemical variation, residue mobility, and thermodynamic stability) indicates that this missense variant is expected to disrupt CYP17A1 protein function with a positive predictive value of 95%. Experimental studies have shown that this missense change affects CYP17A1 function (PMID: 14715827). Algorithms developed to predict the effect of sequence changes on RNA splicing suggest that this variant may disrupt the consensus splice site. For these reasons, this variant has been classified as Pathogenic.

Department of Pathology and Laboratory Medicine, Sinai Health System
Classification: Pathogenic for Deficiency of steroid 17-alpha-monooxygenase. Last evaluated: 2023-08-22. Review status: criteria provided, single submitter. Criteria: ACMG Guidelines, 2015. Collection method: research. Allele origin: germline.

PreventionGenetics, part of Exact Sciences
Classification: Pathogenic for CYP17A1-related condition. Last evaluated: 2023-04-25. Review status: criteria provided, single submitter. Criteria: ACMG Guidelines, 2015. Collection method: clinical testing. Allele origin: germline.
Comment: The CYP17A1 c.1084C>T variant is predicted to result in the amino acid substitution p.Arg362Cys. This variant has been reported to be pathogenic for steroid-17 alpha-hydroxylase deficiency due to completely inactivated enzyme activity (see for example at Fernández-Cancio et al. 2017. PubMed ID: 28376482; Martin et al. 2003. PubMed ID: 14671162; Costa-Santos et al. 2004. PubMed ID: 14715827). This variant is reported in 0.0054% of alleles in individuals of East Asian descent in gnomAD. This variant is interpreted as pathogenic.

Women's Health and Genetics/Laboratory Corporation of America, LabCorp
Classification: Pathogenic for Congenital adrenal hyperplasia. Last evaluated: 2023-01-16. Review status: criteria provided, single submitter. Criteria: LabCorp Variant Classification Summary - May 2015. Collection method: clinical testing. Allele origin: germline.
Comment: Variant summary: CYP17A1 c.1084C>T (p.Arg362Cys) results in a non-conservative amino acid change in the encoded protein sequence. Five of five in-silico tools predict a damaging effect of the variant on protein function. The variant allele was found at a frequency of 4e-06 in 251224 control chromosomes. c.1084C>T has been widely reported in the literature as biallelic genotypes in multiple individuals affected with Congenital Adrenal Hyperplasia (example, Cosa Santos_2004). These data indicate that the variant is very likely to be associated with disease. At least one publication reports experimental evidence evaluating an impact on protein function. The most pronounced variant effect results in loss of normal 17-alpha hydroxylase enzyme activity in-vitro (example, Cosa Santos_2004). Two clinical diagnostic laboratories have submitted clinical-significance assessments for this variant to ClinVar after 2014 without evidence for independent evaluation. All laboratories classified the variant as pathogenic. Based on the evidence outlined above, the variant was classified as pathogenic.

OMIM
Classification: Pathogenic for 17-ALPHA-HYDROXYLASE/17,20-LYASE DEFICIENCY, COMBINED COMPLETE. Last evaluated: 2004-01-01. Review status: no assertion criteria provided. Collection method: literature only. Allele origin: germline. Not counted in ClinVar's aggregate classification.

Literature cited by the submitters: PubMed 14715827 (cited by 5 submitters); PubMed 14671162 (cited by 3 submitters); PubMed 17379008 (cited by 3 submitters); PubMed 21340157 (cited by Dasa and Labcorp Genetics (formerly Invitae), Labcorp); PubMed 29595516 (cited by Dasa and Labcorp Genetics (formerly Invitae), Labcorp); PubMed 2650900 (cited by Dasa); PubMed 14715825 (cited by Women's Health and Genetics/Laboratory Corporation of America, LabCorp); PubMed 16569739 (cited by Women's Health and Genetics/Laboratory Corporation of America, LabCorp); PubMed 16822828 (cited by Women's Health and Genetics/Laboratory Corporation of America, LabCorp); PubMed 16772352 (cited by Women's Health and Genetics/Laboratory Corporation of America, LabCorp); PubMed 16849412 (cited by Women's Health and Genetics/Laboratory Corporation of America, LabCorp).